The following is an entry in ClinVar:

ClinVar aggregate classification (germline): Pathogenic. Review status: criteria provided, multiple submitters, no conflicts (2 of 4 stars). 2 submissions from 2 submitters: Pathogenic (2). Last evaluated 2018-10-08.

Conditions:
Treacher Collins syndrome 1 (TCS1). Also called: TCOF1-Related Treacher Collins Syndrome. Identifiers: Orphanet 861, MedGen CN315775, MONDO:0007944, OMIM 154500.

Submissions (2):

Labcorp Genetics (formerly Invitae), Labcorp
Classification: Pathogenic for Treacher Collins syndrome 1. Last evaluated: 2018-10-08. Review status: criteria provided, single submitter. Criteria: Invitae Variant Classification Sherloc (09022015). Collection method: clinical testing. Allele origin: germline.
Comment: This sequence change affects a donor splice site in intron 9 of the TCOF1 gene. It is expected to disrupt RNA splicing and likely results in an absent or disrupted protein product. This variant is not present in population databases (ExAC no frequency). ClinVar contains an entry for this variant (Variation ID: 280270). Algorithms developed to predict the effect of sequence changes on RNA splicing suggest that this variant may disrupt the consensus splice site, but this prediction has not been confirmed by published transcriptional studies. Donor and acceptor splice site variants typically lead to a loss of protein function (PMID: 16199547), and loss-of-function variants in TCOF1 are known to be pathogenic (PMID: 8894686, 22317976). For these reasons, this variant has been classified as Pathogenic.

GeneDx
Classification: Pathogenic. Last evaluated: 2016-01-21. Review status: criteria provided, single submitter. Criteria: GeneDx Variant Classification (06012015). Collection method: clinical testing. Allele origin: germline. Affected: yes.
Comment: The c.1278+1G>A pathogenic variant in the TCOF1 gene has not been reported previously as a pathogenic variant nor as a benign variant, to our knowledge. This splice site variant destroys the canonical splice donor site in intron 9. It is predicted to cause abnormal gene splicing, either leading to an abnormal message that is subject to nonsense-mediated mRNA decay, or to an abnormal protein product if the message is used for protein translation. The c.1278+1G>A variant was not observed in approximately 6500 individuals of European and African American ancestry in the NHLBI Exome Sequencing Project, indicating it is not a common benign variant in these populations. We interpret c.1278+1G>A as a pathogenic variant.

Literature cited by the submitters: PubMed 16199547 (cited by Labcorp Genetics (formerly Invitae), Labcorp); PubMed 8894686 (cited by Labcorp Genetics (formerly Invitae), Labcorp); PubMed 22317976 (cited by Labcorp Genetics (formerly Invitae), Labcorp).

NM_001371623.1(TCOF1):c.1278+1G>A

Gene: TCOF1 (treacle ribosome biogenesis factor 1; plus strand). Cytogenetic location: 5q32.
Variant type: single nucleotide variant.
Coding change: c.1278+1G>A on transcript NM_001371623.1 (MANE Select); the canonical splice donor site of the intron after coding-DNA position 1278, G replaced by A.
Molecular consequence: splice donor variant.
Genome position (GRCh38, 1-based): chr5:150,374,812, G>A. VCF-style: chr5-150374812-G-A. GRCh37 (hg19) VCF-style: chr5-149754375-G-A.
Other names: c.1278+1G>A (NM_001135243.2, NM_001135244.2, NM_001195141.2 and 1 more transcripts); c.1047+1G>A (NM_001135245.2, NM_000356.4).
Identifiers: ClinVar variation 280270 (VCV000280270.11), dbSNP rs886041506, ClinGen allele CA10602969.